The following is an entry in ClinVar:

ClinVar aggregate classification (germline): Pathogenic/Likely pathogenic. Review status: criteria provided, multiple submitters, no conflicts (2 of 4 stars). 3 submissions from 3 submitters: Pathogenic (1); Likely pathogenic (2). Last evaluated 2024-10-02.

Conditions:
Corticosterone methyl oxidase type II deficiency.
CYP11B2-related disorders.

Submissions (3):

Natera, Inc.
Classification: Likely pathogenic for Corticosterone methyl oxidase type II deficiency. Last evaluated: 2024-10-02. Review status: criteria provided, single submitter. Criteria: Natera Variant Classification Schema (03/2026). Collection method: clinical testing. Allele origin: germline.
Comment: The c.251dupG variant in CYP11B2 is a frameshift variant predicted to shift the reading frame beginning at codon 85 and leads to a stop codon 52 codons downstream. This variant is expected to result in nonsense mediated decay, truncation, or a dysfunctional protein product. This variant is rare in the general population with a frequency below the threshold expected for the associated phenotype(s). Given the available evidence, this variant is classified as Likely Pathogenic.

Labcorp Genetics (formerly Invitae), Labcorp
Classification: Pathogenic. Last evaluated: 2024-01-05. Review status: criteria provided, single submitter. Criteria: Invitae Variant Classification Sherloc (09022015). Collection method: clinical testing. Allele origin: germline.
Comment: This sequence change creates a premature translational stop signal (p.Gly85Argfs*52) in the CYP11B2 gene. It is expected to result in an absent or disrupted protein product. Loss-of-function variants in CYP11B2 are known to be pathogenic (PMID: 20494601, 22801770, 26936515). This variant is present in population databases (rs761855534, gnomAD 0.002%). This variant has not been reported in the literature in individuals affected with CYP11B2-related conditions. ClinVar contains an entry for this variant (Variation ID: 845150). For these reasons, this variant has been classified as Pathogenic.

Blueprint Genetics
Classification: Likely pathogenic for CYP11B2-related disorders. Last evaluated: 2021-01-26. Review status: criteria provided, single submitter. Criteria: ACMG Guidelines, 2015. Collection method: clinical testing. Allele origin: germline. Affected: yes. Observed: 1 variant allele.

Literature cited by the submitters: PubMed 20494601 (cited by Labcorp Genetics (formerly Invitae), Labcorp); PubMed 22801770 (cited by Labcorp Genetics (formerly Invitae), Labcorp); PubMed 26936515 (cited by Labcorp Genetics (formerly Invitae), Labcorp).

NM_000498.3(CYP11B2):c.251dup (p.Gly85fs)

Genes: CYP11B2 (cytochrome P450 family 11 subfamily B member 2; minus strand), LOC106799834 (CYP11B2 recombination region; plus strand). Cytogenetic location: 8q24.3.
Variant type: Duplication.
Coding change: c.251dup on transcript NM_000498.3 (MANE Select); coding-DNA position 251, one base duplicated (G; older notation c.251dupG).
Protein change: p.Gly85fs; shifts the reading frame from glycine 85.
Molecular consequence: frameshift variant.
Genome position (GRCh38, 1-based): chr8:142,917,203, C duplicated on the plus strand (G on the coding strand, the reverse complement: CYP11B2 is on the minus strand); the first of 3 consecutive C bases (chr8:142,917,203-142,917,205); duplicating any one gives the same sequence. VCF-style (leftmost placement, unchanged base first): chr8-142917202-T-TC. GRCh37 (hg19) VCF-style: chr8-143998618-T-TC.
Other names: c.251dupG (NM_000498.3); short protein forms G85fs.
Identifiers: ClinVar variation 845150 (VCV000845150.9), dbSNP rs761855534, ClinGen allele CA4906309.